The following is an entry in ClinVar:

ClinVar aggregate classification (germline): Uncertain significance (1 of 4 stars; one submission).

Submission:

Labcorp Genetics (formerly Invitae), Labcorp
Classification: Uncertain significance. Last evaluated: 2025-05-18. Review status: criteria provided, single submitter. Criteria: Invitae Variant Classification Sherloc (09022015). Collection method: clinical testing. Allele origin: germline.
Comment: This sequence change replaces alanine, which is neutral and non-polar, with threonine, which is neutral and polar, at codon 160 of the CARD8 protein (p.Ala160Thr). This variant is present in population databases (no rsID available, gnomAD 0.01%). This variant has not been reported in the literature in individuals affected with CARD8-related conditions. An algorithm developed to predict the effect of missense changes on protein structure and function (PolyPhen-2) suggests that this variant is likely to be tolerated. In summary, the available evidence is currently insufficient to determine the role of this variant in disease. Therefore, it has been classified as a Variant of Uncertain Significance.

NM_001184900.3(CARD8):c.628G>A (p.Ala210Thr)

Gene: CARD8 (caspase recruitment domain family member 8; minus strand). Cytogenetic location: 19q13.33.
Variant type: single nucleotide variant.
Coding change: c.628G>A on transcript NM_001184900.3 (MANE Select); coding-DNA position 628, G replaced by A.
Protein change: p.Ala210Thr; replaces alanine 210 with threonine.
Molecular consequence: missense variant. On other transcripts: non-coding transcript variant (4).
Genome position (GRCh38, 1-based): chr19:48,230,921, C>T on the plus strand (G>A on the coding strand, the complement: CARD8 is on the minus strand). VCF-style: chr19-48230921-C-T. GRCh37 (hg19) VCF-style: chr19-48734178-C-T.
Other names: c.478G>A, p.Ala160Thr (NM_001184901.1, NM_001351783.2, NM_001351788.2 and 2 more transcripts); c.628G>A, p.Ala210Thr (NM_001184902.2, NM_001184903.1, NM_001351782.2); c.313G>A, p.Ala105Thr (NM_001351784.2, NM_001351787.2, NM_001351791.2 and 2 more transcripts); c.292G>A, p.Ala98Thr (NM_001351786.2); c.385G>A, p.Ala129Thr (NM_001351790.2); short protein forms A129T, A160T, A105T, A210T, A98T.
Identifiers: ClinVar variation 4752064 (VCV004752064.1).